The following is an entry in ClinVar:

ClinVar aggregate classification (germline): Uncertain significance (1 of 4 stars; one submission).

Submission:

Labcorp Genetics (formerly Invitae), Labcorp
Classification: Uncertain significance. Last evaluated: 2024-02-22. Review status: criteria provided, single submitter. Criteria: Invitae Variant Classification Sherloc (09022015). Collection method: clinical testing. Allele origin: germline.
Comment: This sequence change replaces glycine, which is neutral and non-polar, with valine, which is neutral and non-polar, at codon 1089 of the COL4A3 protein (p.Gly1089Val). This variant is not present in population databases (gnomAD no frequency). This variant has not been reported in the literature in individuals affected with COL4A3-related conditions. ClinVar contains an entry for this variant (Variation ID: 2118546). Advanced modeling of protein sequence and biophysical properties (such as structural, functional, and spatial information, amino acid conservation, physicochemical variation, residue mobility, and thermodynamic stability) performed at Invitae indicates that this missense variant is expected to disrupt COL4A3 protein function with a positive predictive value of 80%. In summary, the available evidence is currently insufficient to determine the role of this variant in disease. Therefore, it has been classified as a Variant of Uncertain Significance.

NM_000091.5(COL4A3):c.3266G>T (p.Gly1089Val)

Genes: COL4A3 (collagen type IV alpha 3 chain; plus strand), MFF-DT (MFF divergent transcript; minus strand). Cytogenetic location: 2q36.3.
Variant type: single nucleotide variant.
Coding change: c.3266G>T on transcript NM_000091.5 (MANE Select); coding-DNA position 3266, G replaced by T.
Protein change: p.Gly1089Val; replaces glycine 1089 with valine.
Molecular consequence: missense variant.
Genome position (GRCh38, 1-based): chr2:227,293,246, G>T. VCF-style: chr2-227293246-G-T. GRCh37 (hg19) VCF-style: chr2-228157962-G-T.
Other names: short protein forms G1089V.
Identifiers: ClinVar variation 2118546 (VCV002118546.4), dbSNP rs1574813382, ClinGen allele CA350857510.